The following is an entry in ClinVar:

NM_000393.5(COL5A2):c.4107G>A (p.Gly1369=)

Gene: COL5A2 (collagen type V alpha 2 chain; minus strand). Cytogenetic location: 2q32.2.
Variant type: single nucleotide variant.
Coding change: c.4107G>A on transcript NM_000393.5 (MANE Select); coding-DNA position 4107, G replaced by A.
Protein change: p.Gly1369=; no amino-acid change (glycine 1369 retained).
Molecular consequence: synonymous variant.
Genome position (GRCh38, 1-based): chr2:189,036,622, C>T on the plus strand (G>A on the coding strand, the complement: COL5A2 is on the minus strand). VCF-style: chr2-189036622-C-T. GRCh37 (hg19) VCF-style: chr2-189901348-C-T.
Other names: c.4107G>A (NM_000393.3).
Identifiers: ClinVar variation 2966537 (VCV002966537.18), dbSNP rs751840720, ClinGen allele CA2021858.

ClinVar aggregate classification (germline): Likely benign. Review status: criteria provided, multiple submitters, no conflicts (2 of 4 stars). 3 submissions from 3 submitters: Likely benign (3). Last evaluated 2025-04-13.

Conditions:
Ehlers-Danlos syndrome, classic type, 1 (EDSCL1). Also called: EHLERS-DANLOS SYNDROME, GRAVIS TYPE; EHLERS-DANLOS SYNDROME, SEVERE CLASSIC TYPE; EDS I; Ehlers-Danlos Syndrome, Classic Type, COL5A1-Related; Ehlers-Danlos syndrome, type 1. Identifiers: MedGen C0268335, MONDO:0019567, OMIM 130000.
Familial thoracic aortic aneurysm and aortic dissection (TAAD). Also called: Thoracic aortic aneurysms and dissections. Identifiers: Orphanet 91387, MedGen C4707243, MONDO:0019625.

Allele frequency attached by ClinVar (database versions not stated): ExAC 0.00001; gnomAD exomes 0.00001; gnomAD 0.00002; TOPMed 0.00004.
gnomAD v4.1: 14 of 1,611,066 alleles (0.00087%); highest among the groups gnomAD compares: African/African-American, 0.0094%; no homozygotes.

Submissions (3):

Labcorp Genetics (formerly Invitae), Labcorp
Classification: Likely benign for Ehlers-Danlos syndrome, classic type, 1. Last evaluated: 2025-04-13. Review status: criteria provided, single submitter. Criteria: Invitae Variant Classification Sherloc (09022015). Collection method: clinical testing. Allele origin: germline.

Ambry Genetics
Classification: Likely benign for Familial thoracic aortic aneurysm and aortic dissection. Last evaluated: 2024-12-13. Review status: criteria provided, single submitter. Criteria: Ambry Variant Classification Scheme 2023. Collection method: clinical testing. Allele origin: germline.

CeGaT Center for Human Genetics Tuebingen
Classification: Likely benign. Last evaluated: 2024-09-01. Review status: criteria provided, single submitter. Criteria: CeGaT Center For Human Genetics Tuebingen Variant Classification Criteria Version 2. Collection method: clinical testing. Allele origin: germline. Affected: yes. Observed: 1 variant allele.
Comment: COL5A2: BP4, BP7